The following is an entry in ClinVar:

ClinVar aggregate classification (germline): Uncertain significance (1 of 4 stars; one submission).

Conditions:
Epilepsy, familial focal, with variable foci 2 (FFEVF2). Identifiers: MedGen C4310709, MONDO:0014924, OMIM 617116.
Epilepsy, familial focal, with variable foci 4 (FFEVF4). Identifiers: MedGen C4693694, MONDO:0054776, OMIM 617935.

Submission:

Clinical Genomics Laboratory, Washington University in St. Louis
Classification: Uncertain significance for Epilepsy, familial focal, with variable foci 2; Epilepsy, familial focal, with variable foci 4. Last evaluated: 2026-04-23. Review status: criteria provided, single submitter. Criteria: ACMG Guidelines, 2015. Collection method: clinical testing. Allele origin: germline.
Comment: An NPRL2 c.59G>T (p.Gly20Val) variant was identified at a near heterozygous allelic fraction of 47.0%, a frequency which may be consistent with it being of germline origin. This variant, to our knowledge, has not been reported in the medical literature or the ClinVar database. It is absent from the general population (gnomAD v4.1.1), indicating it is not a common variant. Computational predictors indicate that the variant is damaging, evidence that correlates with impact to NPRL2 function. Due to limited information, and based on ACMG/AMP guidelines for variant interpretation (Richards S et al., PMID: 25741868), the clinical significance of this variant is uncertain at this time.

Literature cited by the submitters: uncertain.

NM_006545.5(NPRL2):c.59G>T (p.Gly20Val)

Gene: NPRL2 (NPR2 like, GATOR1 complex subunit; minus strand). Cytogenetic location: 3p21.31.
Variant type: single nucleotide variant.
Coding change: c.59G>T on transcript NM_006545.5 (MANE Select); coding-DNA position 59, G replaced by T.
Protein change: p.Gly20Val; replaces glycine 20 with valine.
Molecular consequence: missense variant.
Genome position (GRCh38, 1-based): chr3:50,350,594, C>A on the plus strand (G>T on the coding strand, the complement: NPRL2 is on the minus strand). VCF-style: chr3-50350594-C-A. GRCh37 (hg19) VCF-style: chr3-50388025-C-A.
Other names: short protein forms G20V.
Identifiers: ClinVar variation 4974653 (VCV004974653.1).